The following is an entry in ClinVar:

NM_000268.4(NF2):c.1574A>G (p.Lys525Arg)

Gene: NF2 (NF2, moesin-ezrin-radixin like (MERLIN) tumor suppressor; plus strand). Cytogenetic location: 22q12.2.
Variant type: single nucleotide variant.
Coding change: c.1574A>G on transcript NM_000268.4 (MANE Select); coding-DNA position 1574, A replaced by G.
Protein change: p.Lys525Arg; replaces lysine 525 with arginine.
Molecular consequence: missense variant. On other transcripts: non-coding transcript variant (1), intron variant (1).
Genome position (GRCh38, 1-based): chr22:29,678,323, A>G. VCF-style: chr22-29678323-A-G. GRCh37 (hg19) VCF-style: chr22-30074312-A-G.
Other names: c.1460A>G, p.Lys487Arg (NM_001407053.1, NM_001407056.1); c.1451A>G, p.Lys484Arg (NM_001407054.1, NM_001407058.1, NM_181829.3); c.1448A>G, p.Lys483Arg (NM_001407055.1, NM_181828.3); c.1439A>G, p.Lys480Arg (NM_001407057.1, NM_001407059.1); c.1574A>G, p.Asn525Ser (NM_001407060.1); c.1316A>G, p.Lys439Arg (NM_001407062.1); c.1325A>G, p.Lys442Arg (NM_001407063.1, NM_181830.3, NM_181831.3); c.1325A>G, p.Asn442Ser (NM_001407064.1); and 4 more; short protein forms K439R, K448R, K484R, K525R, N442S, K347R, K442R, K483R.
Identifiers: ClinVar variation 1775551 (VCV001775551.5), dbSNP rs2147109020, ClinGen allele CA411149822.

ClinVar aggregate classification (germline): Uncertain significance. Review status: criteria provided, multiple submitters, no conflicts (2 of 4 stars). 2 submissions from 2 submitters: Uncertain significance (2). Last evaluated 2025-06-10.

Conditions:
Neurofibromatosis, type 2 (SWNV). Also called: NF2-Related Schwannomatosis; SCHWANNOMATOSIS, VESTIBULAR; BILATERAL ACOUSTIC NEUROFIBROMATOSIS. Identifiers: Orphanet 637, MedGen C0027832, MONDO:0007039, OMIM 101000. Disease mechanism: loss of function.
Hereditary cancer-predisposing syndrome. Also called: Tumor predisposition; Neoplastic Syndromes, Hereditary; Hereditary Cancer Syndrome; Hereditary neoplastic syndrome. Identifiers: Orphanet 140162, MedGen C0027672, MeSH D009386, MONDO:0015356.

Submissions (2):

Labcorp Genetics (formerly Invitae), Labcorp
Classification: Uncertain significance for Neurofibromatosis, type 2. Last evaluated: 2025-06-10. Review status: criteria provided, single submitter. Criteria: Invitae Variant Classification Sherloc (09022015). Collection method: clinical testing. Allele origin: germline.
Comment: This sequence change replaces lysine, which is basic and polar, with arginine, which is basic and polar, at codon 525 of the NF2 protein (p.Lys525Arg). This variant is not present in population databases (gnomAD no frequency). This variant has not been reported in the literature in individuals affected with NF2-related conditions. ClinVar contains an entry for this variant (Variation ID: 1775551). An algorithm developed to predict the effect of missense changes on protein structure and function (PolyPhen-2) suggests that this variant is likely to be tolerated. In summary, the available evidence is currently insufficient to determine the role of this variant in disease. Therefore, it has been classified as a Variant of Uncertain Significance.

Ambry Genetics
Classification: Uncertain significance for Hereditary cancer-predisposing syndrome. Last evaluated: 2024-08-28. Review status: criteria provided, single submitter. Criteria: Ambry Variant Classification Scheme 2023. Collection method: clinical testing. Allele origin: germline.
Comment: The p.K525R variant (also known as c.1574A>G), located in coding exon 14 of the NF2 gene, results from a A to G substitution at nucleotide position 1574. The lysine at codon 525 is replaced by arginine, an amino acid with highly similar properties. This amino acid position is highly conserved in available vertebrate species. In addition, this alteration is predicted to be tolerated by in silico analysis. Since supporting evidence is limited at this time, the clinical significance of this alteration remains unclear.